The following is an entry in ClinVar:

ClinVar aggregate classification (germline): Conflicting classifications of pathogenicity. Review status: criteria provided, conflicting classifications (1 of 4 stars). 4 submissions from 4 submitters: Uncertain significance (2); Likely benign (2). Last evaluated 2025-04-09.

Conditions:
Cardiovascular phenotype. Identifiers: MedGen CN230736.

Allele frequency attached by ClinVar (database versions not stated): gnomAD 0.00001; gnomAD exomes 0.00001; TOPMed 0.00001; ExAC 0.00003; ESP Exome Variant Server 0.00008.
gnomAD v4.1: 7 of 1,613,380 alleles (0.00043%); highest among the groups gnomAD compares: African/African-American, 0.0013%; no homozygotes.

Submissions (4):

Molecular Diagnostic Laboratory for Inherited Cardiovascular Disease, Montreal Heart Institute
Classification: Likely benign. Last evaluated: 2025-04-09. Review status: criteria provided, single submitter. Criteria: ACMG Guidelines, 2015. Collection method: clinical testing. Allele origin: germline. Affected: no.
Comment: BP1

Blueprint Genetics
Classification: Likely benign. Last evaluated: 2023-12-06. Review status: criteria provided, single submitter. Criteria: ACMG Guidelines, 2015. Collection method: clinical testing. Allele origin: germline.

Ambry Genetics
Classification: Uncertain significance for Cardiovascular phenotype. Last evaluated: 2019-05-30. Review status: criteria provided, single submitter. Criteria: Ambry Variant Classification Scheme 2023. Collection method: clinical testing. Allele origin: germline.
Comment: The p.G24456D variant (also known as c.73367G>A), located in coding exon 184 of the TTN gene, results from a G to A substitution at nucleotide position 73367. The glycine at codon 24456 is replaced by aspartic acid, an amino acid with similar properties. This amino acid position is highly conserved in available vertebrate species. In addition, the in silico prediction for this alteration is inconclusive. Since supporting evidence is limited at this time, the clinical significance of this alteration remains unclear.

Laboratory for Molecular Medicine, Mass General Brigham Personalized Medicine
Classification: Uncertain significance. Last evaluated: 2015-10-30. Review status: criteria provided, single submitter. Criteria: LMM Criteria. Collection method: clinical testing. Allele origin: germline. Observed: 1 variant allele.
Comment: The p.Gly30953Asp variant in TTN has not been previously reported in individuals with cardiomyopathy, but has been identified in 1/65532 European chromosomes by the Exome Aggregation Consortium (ExAC; dbSNP r s370516977). Computational prediction tools and conservation analysis suggest th at the p.Gly30953Asp variant may impact the protein, though this information is not predictive enough to determine pathogenicity. In summary, the clinical signi ficance of the p.Gly30953Asp variant is uncertain.

NM_001267550.2(TTN):c.100562G>A (p.Gly33521Asp)

Genes: TTN (titin; minus strand), TTN-AS1 (TTN antisense RNA 1; plus strand). Cytogenetic location: 2q31.2.
Variant type: single nucleotide variant.
Coding change: c.100562G>A on transcript NM_001267550.2 (MANE Select); coding-DNA position 100562, G replaced by A.
Protein change: p.Gly33521Asp; replaces glycine 33521 with aspartic acid.
Molecular consequence: missense variant.
Genome position (GRCh38, 1-based): chr2:178,536,185, C>T on the plus strand (G>A on the coding strand, the complement: TTN is on the minus strand). VCF-style: chr2-178536185-C-T. GRCh37 (hg19) VCF-style: chr2-179400912-C-T.
Other names: c.95639G>A, p.Gly31880Asp (NM_001256850.1); c.73367G>A, p.Gly24456Asp (NM_003319.4); c.73742G>A, p.Gly24581Asp (NM_133432.3); c.73943G>A, p.Gly24648Asp (NM_133437.4); c.92858G>A, p.Gly30953Asp (NM_133378.4); short protein forms G30953D, G33521D, G24456D, G24581D, G24648D, G31880D.
Identifiers: ClinVar variation 229559 (VCV000229559.9), dbSNP rs370516977, ClinGen allele CA1986018.